The following is an entry in ClinVar:

ClinVar aggregate classification (germline): Uncertain significance (1 of 4 stars; one submission).

Allele frequency attached by ClinVar (database versions not stated): TOPMed below 0.00001; gnomAD 0.00001.

Submission:

Labcorp Genetics (formerly Invitae), Labcorp
Classification: Uncertain significance. Last evaluated: 2024-01-25. Review status: criteria provided, single submitter. Criteria: Invitae Variant Classification Sherloc (09022015). Collection method: clinical testing. Allele origin: germline.
Comment: This sequence change replaces methionine, which is neutral and non-polar, with threonine, which is neutral and polar, at codon 21 of the PMP2 protein (p.Met21Thr). This variant is not present in population databases (gnomAD no frequency). This variant has not been reported in the literature in individuals affected with PMP2-related conditions. An algorithm developed to predict the effect of missense changes on protein structure and function (PolyPhen-2) suggests that this variant is likely to be tolerated. In summary, the available evidence is currently insufficient to determine the role of this variant in disease. Therefore, it has been classified as a Variant of Uncertain Significance.

NM_002677.5(PMP2):c.62T>C (p.Met21Thr)

Gene: PMP2 (peripheral myelin protein 2; minus strand). Cytogenetic location: 8q21.13.
Variant type: single nucleotide variant.
Coding change: c.62T>C on transcript NM_002677.5 (MANE Select); coding-DNA position 62, T replaced by C.
Protein change: p.Met21Thr; replaces methionine 21 with threonine.
Molecular consequence: missense variant.
Genome position (GRCh38, 1-based): chr8:81,447,325, A>G on the plus strand (T>C on the coding strand, the complement: PMP2 is on the minus strand). VCF-style: chr8-81447325-A-G. GRCh37 (hg19) VCF-style: chr8-82359560-A-G.
Other names: c.62T>C, p.Met21Thr (NM_001348381.2); short protein forms M21T.
Identifiers: ClinVar variation 2789417 (VCV002789417.3), dbSNP rs1807464267, ClinGen allele CA371518545.